The following is an entry in ClinVar:

ClinVar aggregate classification (germline): Likely benign. Review status: criteria provided, multiple submitters, no conflicts (2 of 4 stars). 2 submissions from 2 submitters: Likely benign (2). Last evaluated 2025-07-30.

Conditions:
Perlman syndrome (PRLMNS). Identifiers: Orphanet 2849, MedGen C0796113, MONDO:0009965, OMIM 267000.

Allele frequency attached by ClinVar (database versions not stated): ExAC 0.00002; gnomAD 0.00002; TOPMed 0.00003; ESP Exome Variant Server 0.00008; gnomAD exomes 0.00004.
gnomAD v4.1: 42 of 1,614,086 alleles (0.0026%); highest among the groups gnomAD compares: East Asian, 0.018%; 1 homozygote.

Submissions (2):

Labcorp Genetics (formerly Invitae), Labcorp
Classification: Likely benign for Perlman syndrome. Last evaluated: 2025-07-30. Review status: criteria provided, single submitter. Criteria: Invitae Variant Classification Sherloc (09022015). Collection method: clinical testing. Allele origin: germline.

CeGaT Center for Human Genetics Tuebingen
Classification: Likely benign. Last evaluated: 2024-10-01. Review status: criteria provided, single submitter. Criteria: CeGaT Center For Human Genetics Tuebingen Variant Classification Criteria Version 2. Collection method: clinical testing. Allele origin: germline. Affected: yes. Observed: 1 variant allele.
Comment: DIS3L2: BP4, BP7

NM_152383.5(DIS3L2):c.1377C>T (p.Ser459=)

Gene: DIS3L2 (DIS3 like 3'-5' exoribonuclease 2; plus strand). Cytogenetic location: 2q37.1.
Variant type: single nucleotide variant.
Coding change: c.1377C>T on transcript NM_152383.5 (MANE Select); coding-DNA position 1377, C replaced by T.
Protein change: p.Ser459=; no amino-acid change (serine 459 retained).
Molecular consequence: synonymous variant. On other transcripts: non-coding transcript variant (2).
Genome position (GRCh38, 1-based): chr2:232,249,298, C>T. VCF-style: chr2-232249298-C-T. GRCh37 (hg19) VCF-style: chr2-233114008-C-T.
Other names: c.1377C>T, p.Ser459= (NM_001257281.2).
Identifiers: ClinVar variation 463059 (VCV000463059.24), dbSNP rs376722215, ClinGen allele CA2164128.
Genomic context (GRCh38, chr2:232,249,298, plus strand): 5'-GGTGGTCCCCATGCTTCCCAGGCTGCTGTGTGAGGAGCTGTGCAGCCTCAACCCCATGTC[C>T]GACAAGCTGACCTTCTCTGTGATCTGGACACTGACTCCAGAGGGCAAGGTAACAACTTAC-3'
Protein context (NP_689596.4, residues 449-469): CEELCSLNPM[Ser459=]DKLTFSVIWT